The following is an entry in ClinVar:

ClinVar aggregate classification (germline): Likely pathogenic (1 of 4 stars; one submission).

Conditions:
RAB23-related disorder. Also called: RAB23-related condition.

Submission:

PreventionGenetics, part of Exact Sciences
Classification: Likely pathogenic for RAB23-related condition. Last evaluated: 2026-08-24. Review status: criteria provided, single submitter. Criteria: ACMG Guidelines, 2015. Collection method: clinical testing. Allele origin: germline.
Comment: The RAB23 c.241G>T variant is predicted to result in premature protein termination (p.Gly81*). To our knowledge, this variant has not been reported in the literature or in a large population database (gnomAD), indicating this variant is rare. Nonsense variants in RAB23 are expected to be pathogenic. This variant is interpreted as likely pathogenic.

NM_016277.5(RAB23):c.241G>T (p.Gly81Ter)

Gene: RAB23 (RAB23, member RAS oncogene family; minus strand). Cytogenetic location: 6p11.2.
Variant type: single nucleotide variant.
Coding change: c.241G>T on transcript NM_016277.5 (MANE Select); coding-DNA position 241, G replaced by T.
Protein change: p.Gly81Ter; replaces glycine 81 with a stop codon.
Molecular consequence: nonsense.
Genome position (GRCh38, 1-based): chr6:57,207,628, C>A on the plus strand (G>T on the coding strand, the complement: RAB23 is on the minus strand). VCF-style: chr6-57207628-C-A. GRCh37 (hg19) VCF-style: chr6-57072426-C-A.
Other names: c.241G>T, p.Gly81Ter (NM_001278666.2, NM_001278667.2, NM_001278668.2 and 1 more transcripts); short protein forms G81*.
Identifiers: ClinVar variation 4992600 (VCV004992600.1).